The following is an entry in ClinVar:

ClinVar aggregate classification (germline): Uncertain significance (1 of 4 stars; one submission).

Allele frequency attached by ClinVar (database versions not stated): gnomAD exomes below 0.00001; gnomAD 0.00001; TOPMed 0.00001.

Submission:

Labcorp Genetics (formerly Invitae), Labcorp
Classification: Uncertain significance. Last evaluated: 2022-11-15. Review status: criteria provided, single submitter. Criteria: Invitae Variant Classification Sherloc (09022015). Collection method: clinical testing. Allele origin: germline.
Comment: In summary, the available evidence is currently insufficient to determine the role of this variant in disease. Therefore, it has been classified as a Variant of Uncertain Significance. Experimental studies and prediction algorithms are not available or were not evaluated, and the functional significance of this variant is currently unknown. This variant has not been reported in the literature in individuals affected with WARS2-related conditions. This variant is present in population databases (no rsID available, gnomAD 0.006%). This sequence change creates a premature translational stop signal (p.Cys129Leufs*94) in the WARS2 gene. While this is not anticipated to result in nonsense mediated decay, it is expected to disrupt the last 232 amino acid(s) of the WARS2 protein.

NM_015836.4(WARS2):c.385dup (p.Cys129fs)

Gene: WARS2 (tryptophanyl tRNA synthetase 2, mitochondrial; minus strand). Cytogenetic location: 1p12.
Variant type: Duplication.
Coding change: c.385dup on transcript NM_015836.4 (MANE Select); coding-DNA position 385, one base duplicated (T; older notation c.385dupT).
Protein change: p.Cys129fs; shifts the reading frame from cysteine 129.
Molecular consequence: frameshift variant.
Genome position (GRCh38, 1-based): chr1:119,045,626, A duplicated on the plus strand (T on the coding strand, the reverse complement: WARS2 is on the minus strand). VCF-style (leftmost placement, unchanged base first): chr1-119045625-C-CA. GRCh37 (hg19) VCF-style: chr1-119588248-C-CA.
Other names: c.316dup, p.Cys106fs (NM_001378226.1, NM_001378227.1); c.214dup, p.Cys72fs (NM_001378228.1); c.127dup, p.Cys43fs (NM_001378229.1); c.103dup, p.Cys35fs (NM_001378230.1); c.385dup, p.Cys129fs (NM_001378231.1, NM_201263.2); short protein forms C106fs, C72fs, C43fs, C35fs, C129fs.
Identifiers: ClinVar variation 1931863 (VCV001931863.5), dbSNP rs1454950233, ClinGen allele CA525752051.